The following is an entry in ClinVar:

ClinVar aggregate classification (germline): Likely pathogenic (1 of 4 stars; one submission).

Conditions:
Familial dysautonomia. Also called: FD; HSAN III. Identifiers: Orphanet 1764, MedGen C0013364, MONDO:0009131, OMIM 223900. Disease mechanism: loss of function.

Submission:

Natera, Inc.
Classification: Likely pathogenic for Familial dysautonomia. Last evaluated: 2025-03-20. Review status: criteria provided, single submitter. Criteria: Natera Variant Classification Schema (03/2026). Collection method: clinical testing. Allele origin: germline.
Comment: The c.1854+1G>T variant in ELP1 is a canonical splice donor site variant predicted to affect pre-mRNA splicing, which may result in an abnormal transcript and altered protein product. This variant is expected to result in nonsense mediated decay, truncation, or a dysfunctional protein product. This variant is rare in the general population with a frequency below the threshold expected for the associated phenotype(s). Given the available evidence, this variant is classified as Likely Pathogenic.

NM_003640.5(ELP1):c.1854+1G>T

Gene: ELP1 (elongator acetyltransferase complex subunit 1; minus strand). Cytogenetic location: 9q31.3.
Variant type: single nucleotide variant.
Coding change: c.1854+1G>T on transcript NM_003640.5 (MANE Select); the canonical splice donor site of the intron after coding-DNA position 1854, G replaced by T.
Molecular consequence: splice donor variant.
Genome position (GRCh38, 1-based): chr9:108,902,838, C>A on the plus strand (G>T on the coding strand, the complement: ELP1 is on the minus strand). VCF-style: chr9-108902838-C-A. GRCh37 (hg19) VCF-style: chr9-111665118-C-A.
Other names: c.1512+1G>T (NM_001318360.2); c.807+1G>T (NM_001330749.2).
Identifiers: ClinVar variation 4067258 (VCV004067258.2).